The following is an entry in ClinVar:

ClinVar aggregate classification (germline): Likely benign (0 of 4 stars; one submission).

Conditions:
COL6A3-related disorder. Also called: COL6A3-related disorders; COL6A3-related condition.

Submission:

PreventionGenetics, part of Exact Sciences
Classification: Likely benign for COL6A3-related condition. Last evaluated: 2023-01-20. Review status: no assertion criteria provided. Collection method: clinical testing. Allele origin: germline.
Comment: This variant is classified as likely benign based on ACMG/AMP sequence variant interpretation guidelines (Richards et al. 2015 PMID: 25741868, with internal and published modifications).

NM_004369.4(COL6A3):c.3360G>A (p.Leu1120=)

Gene: COL6A3 (collagen type VI alpha 3 chain; minus strand). Cytogenetic location: 2q37.3.
Variant type: single nucleotide variant.
Coding change: c.3360G>A on transcript NM_004369.4 (MANE Select); coding-DNA position 3360, G replaced by A.
Protein change: p.Leu1120=; no amino-acid change (leucine 1120 retained).
Molecular consequence: synonymous variant.
Genome position (GRCh38, 1-based): chr2:237,374,731, C>T on the plus strand (G>A on the coding strand, the complement: COL6A3 is on the minus strand). VCF-style: chr2-237374731-C-T. GRCh37 (hg19) VCF-style: chr2-238283374-C-T.
Other names: c.1539G>A, p.Leu513= (NM_057166.5); c.2742G>A, p.Leu914= (NM_057167.4, NM_057165.5); c.2139G>A, p.Leu713= (NM_057164.5).
Identifiers: ClinVar variation 3044175 (VCV003044175.2), dbSNP rs776905431, ClinGen allele CA431711952.